The following is an entry in ClinVar:

ClinVar aggregate classification (germline): Uncertain significance. Review status: criteria provided, multiple submitters, no conflicts (2 of 4 stars). 2 submissions from 2 submitters: Uncertain significance (2). Last evaluated 2025-03-06.

gnomAD v4.1: 6 of 1,613,574 alleles (0.00037%); highest among the groups gnomAD compares: African/African-American, 0.004%; no homozygotes.

Submissions (2):

Labcorp Genetics (formerly Invitae), Labcorp
Classification: Uncertain significance. Last evaluated: 2025-03-06. Review status: criteria provided, single submitter. Criteria: Invitae Variant Classification Sherloc (09022015). Collection method: clinical testing. Allele origin: germline.
Comment: This sequence change replaces arginine, which is basic and polar, with serine, which is neutral and polar, at codon 241 of the TOP1MT protein (p.Arg241Ser). This variant is present in population databases (rs202127279, gnomAD 0.007%). This variant has not been reported in the literature in individuals affected with TOP1MT-related conditions. ClinVar contains an entry for this variant (Variation ID: 3328047). Invitae Evidence Modeling of protein sequence and biophysical properties (such as structural, functional, and spatial information, amino acid conservation, physicochemical variation, residue mobility, and thermodynamic stability) indicates that this missense variant is not expected to disrupt TOP1MT protein function with a negative predictive value of 80%. In summary, the available evidence is currently insufficient to determine the role of this variant in disease. Therefore, it has been classified as a Variant of Uncertain Significance.

Ambry Genetics
Classification: Uncertain significance. Last evaluated: 2024-05-16. Review status: criteria provided, single submitter. Criteria: Ambry Variant Classification Scheme 2023. Collection method: clinical testing. Allele origin: germline.

NM_052963.3(TOP1MT):c.721C>A (p.Arg241Ser)

Gene: TOP1MT (DNA topoisomerase I mitochondrial; minus strand). Cytogenetic location: 8q24.3.
Variant type: single nucleotide variant.
Coding change: c.721C>A on transcript NM_052963.3 (MANE Select); coding-DNA position 721, C replaced by A.
Protein change: p.Arg241Ser; replaces arginine 241 with serine.
Molecular consequence: missense variant.
Genome position (GRCh38, 1-based): chr8:143,324,580, G>T on the plus strand (C>A on the coding strand, the complement: TOP1MT is on the minus strand). VCF-style: chr8-143324580-G-T. GRCh37 (hg19) VCF-style: chr8-144406750-G-T.
Other names: c.427C>A, p.Arg143Ser (NM_001258446.1, NM_001258447.1); short protein forms R143S, R241S.
Identifiers: ClinVar variation 3328047 (VCV003328047.2).